The following is an entry in ClinVar:

NM_172362.3(KCNH1):c.2864T>A (p.Leu955His)

Gene: KCNH1 (potassium voltage-gated channel subfamily H member 1; minus strand). Cytogenetic location: 1q32.2.
Variant type: single nucleotide variant.
Coding change: c.2864T>A on transcript NM_172362.3 (MANE Select); coding-DNA position 2864, T replaced by A.
Protein change: p.Leu955His; replaces leucine 955 with histidine.
Molecular consequence: missense variant.
Genome position (GRCh38, 1-based): chr1:210,683,387, A>T on the plus strand (T>A on the coding strand, the complement: KCNH1 is on the minus strand). VCF-style: chr1-210683387-A-T. GRCh37 (hg19) VCF-style: chr1-210856729-A-T.
Other names: c.2783T>A, p.Leu928His (NM_002238.4); c.2864T>A (NM_172362.2); short protein forms L928H, L955H.
Identifiers: ClinVar variation 1435165 (VCV001435165.8), dbSNP rs895624409, ClinGen allele CA37111541.

ClinVar aggregate classification (germline): Uncertain significance. Review status: criteria provided, single submitter (1 of 4 stars). 2 submissions from 2 submitters: Uncertain significance (1). 1 of the submissions does not count toward it. Last evaluated 2024-12-28.

Conditions:
KCNH1-related disorder. Also called: KCNH1-related disorders; KCNH1-related condition.

Allele frequency attached by ClinVar (database versions not stated): TOPMed 0.00001; gnomAD 0.00003.
gnomAD v4.1: 4 of 1,613,984 alleles (0.00025%); highest among the groups gnomAD compares: African/African-American, 0.004%; no homozygotes.

Submissions (2):

Labcorp Genetics (formerly Invitae), Labcorp
Classification: Uncertain significance. Last evaluated: 2024-12-28. Review status: criteria provided, single submitter. Criteria: Invitae Variant Classification Sherloc (09022015). Collection method: clinical testing. Allele origin: germline.
Comment: This sequence change replaces leucine, which is neutral and non-polar, with histidine, which is basic and polar, at codon 955 of the KCNH1 protein (p.Leu955His). This variant is present in population databases (no rsID available, gnomAD 0.1%). This variant has not been reported in the literature in individuals affected with KCNH1-related conditions. This missense change has been observed in at least one individual who was not affected with KCNH1-related conditions (internal data). ClinVar contains an entry for this variant (Variation ID: 1435165). Invitae Evidence Modeling of protein sequence and biophysical properties (such as structural, functional, and spatial information, amino acid conservation, physicochemical variation, residue mobility, and thermodynamic stability) has been performed for this missense variant. However, the output from this modeling did not meet the statistical confidence thresholds required to predict the impact of this variant on KCNH1 protein function. In summary, the available evidence is currently insufficient to determine the role of this variant in disease. Therefore, it has been classified as a Variant of Uncertain Significance.

PreventionGenetics, part of Exact Sciences
Classification: Likely benign for KCNH1-related condition. Last evaluated: 2023-10-12. Review status: no assertion criteria provided. Collection method: clinical testing. Allele origin: germline. Not counted in ClinVar's aggregate classification.
Comment: This variant is classified as likely benign based on ACMG/AMP sequence variant interpretation guidelines (Richards et al. 2015 PMID: 25741868, with internal and published modifications).